The following is an entry in ClinVar:

NM_001378418.1(TCF20):c.232_234dup (p.Gly78_Tyr79insGly)

Gene: TCF20 (transcription factor 20; minus strand). Cytogenetic location: 22q13.2.
Variant type: Duplication.
Coding change: c.232_234dup on transcript NM_001378418.1 (MANE Select); coding-DNA positions 232 to 234, 3 bases duplicated (GGT; older notation c.232_234dupGGT).
Protein change: p.Gly78_Tyr79insGly.
Molecular consequence: inframe insertion.
Genome position (GRCh38, 1-based): chr22:42,215,072-42,215,074, ACC duplicated on the plus strand (GGT on the coding strand, the reverse complement: TCF20 is on the minus strand). VCF-style (leftmost placement, unchanged base first): chr22-42215071-A-AACC. GRCh37 (hg19) VCF-style: chr22-42611077-A-AACC.
Other names: c.232_234dup, p.Gly78_Tyr79insGly (NM_005650.4, NM_181492.3); c.232_234dupGGT (NM_005650.3, NM_005650.1).
Identifiers: ClinVar variation 2069542 (VCV002069542.6), dbSNP rs751529766, ClinGen allele CA10267402.

ClinVar aggregate classification (germline): Benign/Likely benign. Review status: criteria provided, multiple submitters, no conflicts (2 of 4 stars). 3 submissions from 3 submitters: Benign (1); Likely benign (2). Last evaluated 2026-09-22.

Conditions:
Inborn genetic diseases. Identifiers: MedGen C0950123, MeSH D030342.
TCF20-related disorder. Also called: TCF20-related condition.

Allele frequency attached by ClinVar (database versions not stated): gnomAD exomes 0.00002; ExAC 0.00004; ESP Exome Variant Server 0.00008; 1000 Genomes Project 30x 0.00031; gnomAD 0.00031; TOPMed 0.00048.

Submissions (3):

PreventionGenetics, part of Exact Sciences
Classification: Likely benign for TCF20-related condition. Last evaluated: 2026-09-22. Review status: criteria provided, single submitter. Criteria: ACMG Guidelines, 2015. Collection method: clinical testing. Allele origin: germline.
Comment: This variant is classified as likely benign based on ACMG/AMP sequence variant interpretation guidelines (Richards et al. 2015 PMID: 25741868, with internal and published modifications).

Labcorp Genetics (formerly Invitae), Labcorp
Classification: Benign. Last evaluated: 2026-02-03. Review status: criteria provided, single submitter. Criteria: Invitae Variant Classification Sherloc (09022015). Collection method: clinical testing. Allele origin: germline.

Ambry Genetics
Classification: Likely benign for Inborn genetic diseases. Last evaluated: 2025-02-18. Review status: criteria provided, single submitter. Criteria: Ambry Variant Classification Scheme 2023. Collection method: clinical testing. Allele origin: germline.